The following is an entry in ClinVar:

NM_000243.3(MEFV):c.679A>G (p.Arg227Gly)

Gene: MEFV (MEFV innate immuity regulator, pyrin; minus strand). Cytogenetic location: 16p13.3.
Variant type: single nucleotide variant.
Coding change: c.679A>G on transcript NM_000243.3 (MANE Select); coding-DNA position 679, A replaced by G.
Protein change: p.Arg227Gly; replaces arginine 227 with glycine.
Molecular consequence: missense variant. On other transcripts: intron variant (1).
Genome position (GRCh38, 1-based): chr16:3,254,389, T>C on the plus strand (A>G on the coding strand, the complement: MEFV is on the minus strand). VCF-style: chr16-3254389-T-C. GRCh37 (hg19) VCF-style: chr16-3304389-T-C.
Other names: c.277+1922A>G (NM_001198536.2); short protein forms R227G.
Identifiers: ClinVar variation 633299 (VCV000633299.1), dbSNP rs1302994748, ClinGen allele CA394478513.

ClinVar aggregate classification (germline): Uncertain significance (1 of 4 stars; one submission).

Allele frequency attached by ClinVar (database versions not stated): gnomAD 0.00001; TOPMed 0.00001.
gnomAD v4.1: 1 of 1,613,892 alleles (0.000062%); highest among the groups gnomAD compares: African/African-American, 0.0013%; no homozygotes.

Submission:

Women's Health and Genetics/Laboratory Corporation of America, LabCorp
Classification: Uncertain significance. Last evaluated: 2018-05-18. Review status: criteria provided, single submitter. Criteria: LabCorp Variant Classification Summary - May 2015. Collection method: clinical testing. Allele origin: germline.
Comment: Variant summary: MEFV c.679A>G (p.Arg227Gly) results in a non-conservative amino acid change in the encoded protein sequence. Four of five in-silico tools predict a benign effect of the variant on protein function. The variant allele was found at a frequency of 3.2e-05 in 30928 control chromosomes (gnomAD). The available data on variant occurrences in the general population are insufficient to allow any conclusion about variant significance. To our knowledge, no occurrence of c.679A>G in individuals affected with Familial Mediterranean Fever and no experimental evidence demonstrating its impact on protein function have been reported. No clinical diagnostic laboratories have submitted clinical-significance assessments for this variant to ClinVar after 2014. Based on the evidence outlined above, the variant was classified as uncertain significance.